The following is an entry in ClinVar:

ClinVar aggregate classification (germline): Uncertain significance (1 of 4 stars; one submission).

Conditions:
CIC-related disorder. Also called: CIC-related condition.

Submission:

PreventionGenetics, part of Exact Sciences
Classification: Uncertain significance for CIC-related condition. Last evaluated: 2026-06-21. Review status: criteria provided, single submitter. Criteria: ACMG Guidelines, 2015. Collection method: clinical testing. Allele origin: germline.
Comment: The CIC c.1113G>T variant is predicted to result in the amino acid substitution p.Gln371His. To our knowledge, this variant has not been reported in the literature or in a large population database (gnomAD), indicating this variant is rare. At this time, the clinical significance of this variant is uncertain due to the absence of conclusive functional and genetic evidence.

NM_001386298.1(CIC):c.3840G>T (p.Gln1280His)

Gene: CIC (capicua transcriptional repressor; plus strand). Cytogenetic location: 19q13.2.
Variant type: single nucleotide variant.
Coding change: c.3840G>T on transcript NM_001386298.1 (MANE Select); coding-DNA position 3840, G replaced by T.
Protein change: p.Gln1280His; replaces glutamine 1280 with histidine.
Molecular consequence: missense variant.
Genome position (GRCh38, 1-based): chr19:42,289,069, G>T. VCF-style: chr19-42289069-G-T. GRCh37 (hg19) VCF-style: chr19-42793221-G-T.
Other names: c.3840G>T, p.Gln1280His (NM_001304815.2, NM_001379480.1, NM_001379482.1 and 6 more transcripts); c.1113G>T, p.Gln371His (NM_001379484.1, NM_001379485.1, NM_001439189.1 and 3 more transcripts); short protein forms Q371H, Q1280H.
Identifiers: ClinVar variation 4991975 (VCV004991975.1).
Genomic context (GRCh38, chr19:42,289,069, plus strand): 5'-GCCCCGAGCTTTCTCCCACAGCGGGGTACACAGCCTGGACGGCGGAGAAGTAGACAGTCA[G>T]GCGCTACAGGAACTGACGCAGGTCTAGGGTGCAGGCCCCCTAGTGGGGGTGGGCAGGGAA-3'
Protein context (NP_001373227.1, residues 1270-1290): HSLDGGEVDS[Gln1280His]ALQELTQMVS